The following is an entry in ClinVar:

NM_001184880.2(PCDH19):c.3117C>T (p.Val1039=)

Gene: PCDH19 (protocadherin 19; minus strand). Cytogenetic location: Xq22.1.
Variant type: single nucleotide variant.
Coding change: c.3117C>T on transcript NM_001184880.2 (MANE Select); coding-DNA position 3117, C replaced by T.
Protein change: p.Val1039=; no amino-acid change (valine 1039 retained).
Molecular consequence: synonymous variant.
Genome position (GRCh38, 1-based): chrX:100,296,607, G>A on the plus strand (C>T on the coding strand, the complement: PCDH19 is on the minus strand). VCF-style: chrX-100296607-G-A. GRCh37 (hg19) VCF-style: chrX-99551605-G-A.
Other names: p.V992V:GTC>GTT; c.2976C>T, p.Val992= (NM_001105243.2); c.2973C>T, p.Val991= (NM_020766.3).
Identifiers: ClinVar variation 138592 (VCV000138592.12), dbSNP rs587781106, ClinGen allele CA292689.
Genomic context (GRCh38, chrX:100,296,607, plus strand): 5'-ACAGCCATTGCCTGCCTCCCGGATAACGCTGTTGACCTTGGGGCTGCAGATGGTCACATC[G>A]ACAGTCCTCTTGCCTTTCAGGGTAGGCCTCTCCTCAGCCGGGTGGTCGCTGACATCTTTC-3'
Protein context (NP_001171809.1, residues 1029-1049): ERPTLKGKRT[Val1039=]DVTICSPKVN

ClinVar aggregate classification (germline): Benign/Likely benign. Review status: criteria provided, multiple submitters, no conflicts (2 of 4 stars). 4 submissions from 4 submitters: Benign (1); Likely benign (3). Last evaluated 2025-09-30.

Conditions:
Developmental and epileptic encephalopathy, 9 (DEE9). Also called: Early infantile epileptic encephalopathy 9; EPILEPSY, FEMALE-RESTRICTED, WITH MENTAL RETARDATION; JUBERG-HELLMAN SYNDROME; PCDH19-Related X-Linked Female-Limited Epilepsy with Mental Retardation. Identifiers: Orphanet 101039, Orphanet 2076, MedGen C1848137, MONDO:0010246, OMIM 300088. Disease mechanism: loss of function.

Allele frequency attached by ClinVar (database versions not stated): gnomAD 0.00001; gnomAD exomes 0.00002; TOPMed 0.00002.
gnomAD v4.1: 24 of 1,209,437 alleles (0.002%); highest among the groups gnomAD compares: Admixed American, 0.0044%; no homozygotes.

Submissions (4):

Athena Diagnostics
Classification: Likely benign. Last evaluated: 2025-09-30. Review status: criteria provided, single submitter. Criteria: Athena Diagnostics Criteria. Collection method: clinical testing. Allele origin: unknown.
Comment: Computational tools yielded predictions that this variant is unlikely to have an effect on normal RNA splicing. This nucleotide position exhibits low evolutionary conservation.

Labcorp Genetics (formerly Invitae), Labcorp
Classification: Likely benign for Developmental and epileptic encephalopathy, 9. Last evaluated: 2025-04-27. Review status: criteria provided, single submitter. Criteria: Invitae Variant Classification Sherloc (09022015). Collection method: clinical testing. Allele origin: germline.

Blueprint Genetics
Classification: Likely benign. Last evaluated: 2021-08-11. Review status: criteria provided, single submitter. Criteria: ACMG Guidelines, 2015. Collection method: clinical testing. Allele origin: germline.

GeneDx
Classification: Benign. Last evaluated: 2013-11-12. Review status: criteria provided, single submitter. Criteria: GeneDx Variant Classification (06012015). Collection method: clinical testing. Allele origin: germline. Affected: yes.
Comment: This variant is considered likely benign or benign based on one or more of the following criteria: it is a conservative change, it occurs at a poorly conserved position in the protein, it is predicted to be benign by multiple in silico algorithms, and/or has population frequency not consistent with disease.